The following is an entry in ClinVar:

NM_003128.3(SPTBN1):c.865C>T (p.Arg289Ter)

Gene: SPTBN1 (spectrin beta, non-erythrocytic 1; plus strand). Cytogenetic location: 2p16.2.
Variant type: single nucleotide variant.
Coding change: c.865C>T on transcript NM_003128.3 (MANE Select); coding-DNA position 865, C replaced by T.
Protein change: p.Arg289Ter; replaces arginine 289 with a stop codon.
Molecular consequence: nonsense.
Genome position (GRCh38, 1-based): chr2:54,621,501, C>T. VCF-style: chr2-54621501-C-T. GRCh37 (hg19) VCF-style: chr2-54848638-C-T.
Other names: c.826C>T, p.Arg276Ter (NM_178313.3); short protein forms R276*, R289*.
Identifiers: ClinVar variation 2444107 (VCV002444107.3), dbSNP rs2549511876, ClinGen allele CA346864029.

ClinVar aggregate classification (germline): Pathogenic (1 of 4 stars; one submission).

Conditions:
Developmental delay, impaired speech, and behavioral abnormalities. Identifiers: MedGen C5561957, MONDO:0859178, OMIM 619475.

Submission:

3billion
Classification: Pathogenic for Developmental delay, impaired speech, and behavioral abnormalities. Last evaluated: 2024-02-26. Review status: criteria provided, single submitter. Criteria: ACMG Guidelines, 2015. Collection method: clinical testing. Allele origin: germline. Affected: yes.
Comment: The variant is not observed in the gnomAD v2.1.1 dataset. Predicted Consequence/Location: Stop-gained (nonsense): predicted to result in a loss or disruption of normal protein function through nonsense-mediated decay (NMD) or protein truncation. Multiple pathogenic variants are reported downstream of the variant. Therefore, this variant is classified as Likely pathogenic according to the recommendation of ACMG/AMP guideline.